The following is an entry in ClinVar:

ClinVar aggregate classification (germline): Pathogenic (1 of 4 stars; one submission).

Conditions:
Legius syndrome. Identifiers: Orphanet 137605, MedGen C1969623, MONDO:0012669, OMIM 611431. Disease mechanism: loss of function.

Submission:

Labcorp Genetics (formerly Invitae), Labcorp
Classification: Pathogenic for Legius syndrome. Last evaluated: 2024-08-31. Review status: criteria provided, single submitter. Criteria: Invitae Variant Classification Sherloc (09022015). Collection method: clinical testing. Allele origin: germline.
Comment: This sequence change creates a premature translational stop signal (p.Ile94Metfs*26) in the SPRED1 gene. It is expected to result in an absent or disrupted protein product. Loss-of-function variants in SPRED1 are known to be pathogenic (PMID: 17704776). This variant is not present in population databases (gnomAD no frequency). This variant has not been reported in the literature in individuals affected with SPRED1-related conditions. For these reasons, this variant has been classified as Pathogenic.

Literature cited by the submitters: PubMed 17704776.

NM_152594.3(SPRED1):c.282_285del (p.Ile94fs)

Gene: SPRED1 (sprouty related EVH1 domain containing 1; plus strand). Cytogenetic location: 15q14.
Variant type: Deletion.
Coding change: c.282_285del on transcript NM_152594.3 (MANE Select); coding-DNA positions 282 to 285, 4 bases deleted (TGAT; older notation c.282_285delTGAT).
Protein change: p.Ile94fs; shifts the reading frame from isoleucine 94.
Molecular consequence: frameshift variant.
Genome position (GRCh38, 1-based): chr15:38,322,315-38,322,318, TGAT deleted; deleting any 4 consecutive bases within chr15:38,322,312-38,322,318 gives the same sequence; the c. name uses the placement nearest the transcript's 3' end. VCF-style (leftmost placement, unchanged base first): chr15-38322311-AGATT-A. GRCh37 (hg19) VCF-style: chr15-38614512-AGATT-A.
Other names: short protein forms I94fs.
Identifiers: ClinVar variation 3658376 (VCV003658376.2).
Genomic context (GRCh38, chr15:38,322,311, plus strand): 5'-AATGTATGCTTAAAAAAGACCTCATTTATAATAAGGTCACTCCAACATTTCACCACTGGA[AGATT>A]GATGACAAGAAGTTTGGTCTTACGTTTCAAAGTCCTGCTGATGCTAGGGCTTTTGATAGA-3'